The following is an entry in ClinVar:

ClinVar aggregate classification (germline): Uncertain significance (1 of 4 stars; one submission).

Conditions:
Malignant hyperthermia, susceptibility to, 5 (MHS5). Also called: CACNA1S-Related Malignant Hyperthermia Susceptibility. Identifiers: Orphanet 423, MedGen C1866077, MONDO:0011163, OMIM 601887.
Hypokalemic periodic paralysis, type 1. Also called: HypoPP; Hypokalemic Periodic Paralysis Type 1 (AD). Identifiers: Orphanet 681, MedGen C3714580, MONDO:0042979, OMIM 170400.

Allele frequency attached by ClinVar (database versions not stated): gnomAD exomes below 0.00001; ExAC 0.00001.
gnomAD v4.1: 1 of 1,614,156 alleles (0.000062%); highest among the groups gnomAD compares: South Asian, 0.0011%; no homozygotes.

Submission:

Labcorp Genetics (formerly Invitae), Labcorp
Classification: Uncertain significance for Hypokalemic periodic paralysis, type 1; Malignant hyperthermia, susceptibility to, 5. Last evaluated: 2021-03-26. Review status: criteria provided, single submitter. Criteria: Invitae Variant Classification Sherloc (09022015). Collection method: clinical testing. Allele origin: germline.
Comment: In summary, the available evidence is currently insufficient to determine the role of this variant in disease. Therefore, it has been classified as a Variant of Uncertain Significance. Algorithms developed to predict the effect of missense changes on protein structure and function are either unavailable or do not agree on the potential impact of this missense change (SIFT: "Deleterious"; PolyPhen-2: "Probably Damaging"; Align-GVGD: "Class C0"). This variant has not been reported in the literature in individuals with CACNA1S-related conditions. This variant is present in population databases (rs763510310, ExAC 0.006%). This sequence change replaces valine with alanine at codon 503 of the CACNA1S protein (p.Val503Ala). The valine residue is highly conserved and there is a small physicochemical difference between valine and alanine.

NM_000069.3(CACNA1S):c.1508T>C (p.Val503Ala)

Gene: CACNA1S (calcium voltage-gated channel subunit alpha1 S; minus strand). Cytogenetic location: 1q32.1.
Variant type: single nucleotide variant.
Coding change: c.1508T>C on transcript NM_000069.3 (MANE Select); coding-DNA position 1508, T replaced by C.
Protein change: p.Val503Ala; replaces valine 503 with alanine.
Molecular consequence: missense variant.
Genome position (GRCh38, 1-based): chr1:201,077,990, A>G on the plus strand (T>C on the coding strand, the complement: CACNA1S is on the minus strand). VCF-style: chr1-201077990-A-G. GRCh37 (hg19) VCF-style: chr1-201047118-A-G.
Other names: short protein forms V503A.
Identifiers: ClinVar variation 1520766 (VCV001520766.8), dbSNP rs763510310, ClinGen allele CA078280.